The following is an entry in ClinVar:

ClinVar aggregate classification (germline): Uncertain significance (1 of 4 stars; one submission).

Submission:

Labcorp Genetics (formerly Invitae), Labcorp
Classification: Uncertain significance. Last evaluated: 2023-08-24. Review status: criteria provided, single submitter. Criteria: Invitae Variant Classification Sherloc (09022015). Collection method: clinical testing. Allele origin: germline.
Comment: This variant is not present in population databases (gnomAD no frequency). This sequence change replaces proline, which is neutral and non-polar, with alanine, which is neutral and non-polar, at codon 1126 of the LTBP4 protein (p.Pro1126Ala). This variant has not been reported in the literature in individuals affected with LTBP4-related conditions. In summary, the available evidence is currently insufficient to determine the role of this variant in disease. Therefore, it has been classified as a Variant of Uncertain Significance. Experimental studies and prediction algorithms are not available or were not evaluated, and the functional significance of this variant is currently unknown. ClinVar contains an entry for this variant (Variation ID: 1994882).

NM_001042545.2(LTBP4):c.3286C>G (p.Pro1096Ala)

Gene: LTBP4 (latent transforming growth factor beta binding protein 4; plus strand). Cytogenetic location: 19q13.2.
Variant type: single nucleotide variant.
Coding change: c.3286C>G on transcript NM_001042545.2 (MANE Select); coding-DNA position 3286, C replaced by G.
Protein change: p.Pro1096Ala; replaces proline 1096 with alanine.
Molecular consequence: missense variant.
Genome position (GRCh38, 1-based): chr19:40,622,469, C>G. VCF-style: chr19-40622469-C-G. GRCh37 (hg19) VCF-style: chr19-41128374-C-G.
Other names: c.3487C>G, p.Pro1163Ala (NM_001042544.1); c.3376C>G, p.Pro1126Ala (NM_003573.2); short protein forms P1096A, P1126A, P1163A.
Identifiers: ClinVar variation 1994882 (VCV001994882.4), dbSNP rs768060871, ClinGen allele CA405905458.